The following is an entry in ClinVar:

ClinVar aggregate classification (germline): Uncertain significance. Review status: criteria provided, multiple submitters, no conflicts (2 of 4 stars). 2 submissions from 2 submitters: Uncertain significance (2). Last evaluated 2024-05-13.

Conditions:
Hereditary cancer-predisposing syndrome. Also called: Hereditary neoplastic syndrome; Neoplastic Syndromes, Hereditary; Tumor predisposition; Hereditary Cancer Syndrome. Identifiers: Orphanet 140162, MedGen C0027672, MeSH D009386, MONDO:0015356.

Allele frequency attached by ClinVar (database versions not stated): gnomAD 0.00001.
gnomAD v4.1: 1 of 1,613,786 alleles (0.000062%); highest among the groups gnomAD compares: Non-Finnish European, 0.000085%; no homozygotes.

Submissions (2):

Ambry Genetics
Classification: Uncertain significance for Hereditary cancer-predisposing syndrome. Last evaluated: 2024-05-13. Review status: criteria provided, single submitter. Criteria: Ambry Variant Classification Scheme 2023. Collection method: clinical testing. Allele origin: germline.
Comment: The p.H204L variant (also known as c.611A>T), located in coding exon 5 of the FH gene, results from an A to T substitution at nucleotide position 611. The histidine at codon 204 is replaced by leucine, an amino acid with similar properties. This amino acid position is well conserved in available vertebrate species. In addition, this alteration is predicted to be deleterious by in silico analysis. Based on the available evidence, the clinical significance of this variant remains unclear.

Labcorp Genetics (formerly Invitae), Labcorp
Classification: Uncertain significance. Last evaluated: 2024-04-30. Review status: criteria provided, single submitter. Criteria: Invitae Variant Classification Sherloc (09022015). Collection method: clinical testing. Allele origin: germline.
Comment: This sequence change replaces histidine, which is basic and polar, with leucine, which is neutral and non-polar, at codon 204 of the FH protein (p.His204Leu). This variant is not present in population databases (gnomAD no frequency). This variant has not been reported in the literature in individuals affected with FH-related conditions. ClinVar contains an entry for this variant (Variation ID: 565736). Advanced modeling of protein sequence and biophysical properties (such as structural, functional, and spatial information, amino acid conservation, physicochemical variation, residue mobility, and thermodynamic stability) has been performed at Invitae for this missense variant, however the output from this modeling did not meet the statistical confidence thresholds required to predict the impact of this variant on FH protein function. In summary, the available evidence is currently insufficient to determine the role of this variant in disease. Therefore, it has been classified as a Variant of Uncertain Significance.

NM_000143.4(FH):c.611A>T (p.His204Leu)

Gene: FH (fumarate hydratase; minus strand). Cytogenetic location: 1q43.
Variant type: single nucleotide variant.
Coding change: c.611A>T on transcript NM_000143.4 (MANE Select); coding-DNA position 611, A replaced by T.
Protein change: p.His204Leu; replaces histidine 204 with leucine.
Molecular consequence: missense variant.
Genome position (GRCh38, 1-based): chr1:241,508,730, T>A on the plus strand (A>T on the coding strand, the complement: FH is on the minus strand). VCF-style: chr1-241508730-T-A. GRCh37 (hg19) VCF-style: chr1-241672030-T-A.
Other names: short protein forms H204L.
Identifiers: ClinVar variation 565736 (VCV000565736.12), dbSNP rs1060500898, ClinGen allele CA345439396.